The following is an entry in ClinVar:

ClinVar aggregate classification (germline): Uncertain significance (1 of 4 stars; one submission).

Conditions:
Werner syndrome (WRN). Identifiers: Orphanet 902, MedGen C0043119, MONDO:0010196, OMIM 277700.

Allele frequency attached by ClinVar (database versions not stated): gnomAD exomes below 0.00001; TOPMed below 0.00001.
gnomAD v4.1: 1 of 1,614,016 alleles (0.000062%); highest among the groups gnomAD compares: Non-Finnish European, 0.000085%; no homozygotes.

Submission:

Labcorp Genetics (formerly Invitae), Labcorp
Classification: Uncertain significance for Werner syndrome. Last evaluated: 2023-01-16. Review status: criteria provided, single submitter. Criteria: Invitae Variant Classification Sherloc (09022015). Collection method: clinical testing. Allele origin: germline.
Comment: This variant is not present in population databases (gnomAD no frequency). This sequence change replaces glutamic acid, which is acidic and polar, with lysine, which is basic and polar, at codon 337 of the WRN protein (p.Glu337Lys). This variant has not been reported in the literature in individuals affected with WRN-related conditions. In summary, the available evidence is currently insufficient to determine the role of this variant in disease. Therefore, it has been classified as a Variant of Uncertain Significance. Algorithms developed to predict the effect of missense changes on protein structure and function output the following: SIFT: "Not Available"; PolyPhen-2: "Benign"; Align-GVGD: "Not Available". The lysine amino acid residue is found in multiple mammalian species, which suggests that this missense change does not adversely affect protein function.

NM_000553.6(WRN):c.1009G>A (p.Glu337Lys)

Gene: WRN (WRN RecQ like helicase; plus strand). Cytogenetic location: 8p12.
Variant type: single nucleotide variant.
Coding change: c.1009G>A on transcript NM_000553.6 (MANE Select); coding-DNA position 1009, G replaced by A.
Protein change: p.Glu337Lys; replaces glutamic acid 337 with lysine.
Molecular consequence: missense variant.
Genome position (GRCh38, 1-based): chr8:31,081,036, G>A. VCF-style: chr8-31081036-G-A. GRCh37 (hg19) VCF-style: chr8-30938552-G-A.
Other names: short protein forms E337K.
Identifiers: ClinVar variation 2051206 (VCV002051206.4), dbSNP rs1813286614, ClinGen allele CA370920233.
Genomic context (GRCh38, chr8:31,081,036, plus strand): 5'-TTATTATCCTTTGAAGATTCAACTACTGGGGGAGTACAACAGAAACAAATTAGAGAACAT[G>A]AAGTTTTAATTCACGTTGAAGATGAAACATGGGACCCAACACTTGATCATTTAGCTAAAC-3'
Protein context (NP_000544.2, residues 327-347): GVQQKQIREH[Glu337Lys]VLIHVEDETW